The following is an entry in ClinVar:

ClinVar aggregate classification (germline): Likely pathogenic. Review status: criteria provided, multiple submitters, no conflicts (2 of 4 stars). 2 submissions from 2 submitters: Likely pathogenic (2). Last evaluated 2025-10-02.

Conditions:
Polycystic kidney disease, adult type (PKD1). Also called: Polycystic Kidney, Autosomal Dominant; Polycystic Kidney Disease 1, Autosomal Dominant; Polycystic kidney disease 1; Polycystic kidney disease 1, severe; POLYCYSTIC KIDNEY DISEASE, ADULT, TYPE I; POLYCYSTIC KIDNEY DISEASE 1 WITH OR WITHOUT POLYCYSTIC LIVER DISEASE. Identifiers: MedGen C3149841, MONDO:0008263, OMIM 173900.
PKD1-related disorder. Also called: PKD1-related condition.

Submissions (2):

PreventionGenetics, part of Exact Sciences
Classification: Likely pathogenic for PKD1-related condition. Last evaluated: 2025-10-02. Review status: criteria provided, single submitter. Criteria: ACMG Guidelines, 2015. Collection method: clinical testing. Allele origin: germline.
Comment: The PKD1 c.5495G>T variant is predicted to result in the amino acid substitution p.Gly1832Val. This variant has been reported in an individual with autosomal dominant polycystic kidney disease (ADPKD) (Supplementary Table S6C, Kim et al. 2019. PubMed ID: 31740684). We have also observed this variant to segregate in a family with ADPKD (internal data). This variant has not been reported in a large population database, indicating this variant is rare. This variant is interpreted as likely pathogenic.

Fulgent Genetics
Classification: Likely pathogenic for Polycystic kidney disease, adult type. Last evaluated: 2024-01-02. Review status: criteria provided, single submitter. Criteria: ACMG Guidelines, 2015. Collection method: clinical testing. Allele origin: germline.

NM_001009944.3(PKD1):c.5495G>T (p.Gly1832Val)

Gene: PKD1 (polycystin 1, transient receptor potential channel interacting; minus strand). Cytogenetic location: 16p13.3.
Variant type: single nucleotide variant.
Coding change: c.5495G>T on transcript NM_001009944.3 (MANE Select); coding-DNA position 5495, G replaced by T.
Protein change: p.Gly1832Val; replaces glycine 1832 with valine.
Molecular consequence: missense variant.
Genome position (GRCh38, 1-based): chr16:2,109,672, C>A on the plus strand (G>T on the coding strand, the complement: PKD1 is on the minus strand). VCF-style: chr16-2109672-C-A. GRCh37 (hg19) VCF-style: chr16-2159673-C-A.
Other names: c.5495G>T, p.Gly1832Val (NM_000296.4); short protein forms G1832V.
Identifiers: ClinVar variation 2632161 (VCV002632161.4), dbSNP rs2544812034, ClinGen allele CA394376618.